The following is an entry in ClinVar:

ClinVar aggregate classification (germline): Benign. Review status: criteria provided, multiple submitters, no conflicts (2 of 4 stars). 2 submissions from 2 submitters: Benign (2). Last evaluated 2018-01-13.

Conditions:
Disorders of Intracellular Cobalamin Metabolism. Identifiers: MedGen CN043592.

Allele frequency attached by ClinVar (database versions not stated): gnomAD exomes 0.00056; gnomAD 0.00549 and 0.00585; TOPMed 0.00612; 1000 Genomes Project 30x 0.00656; 1000 Genomes Project 0.00679.
gnomAD v4.1: 1,664 of 1,582,768 alleles (0.11%); highest among the groups gnomAD compares: African/African-American, 2.1%; 16 homozygotes.

Submissions (2):

Illumina Laboratory Services, Illumina
Classification: Benign for Disorders of Intracellular Cobalamin Metabolism. Last evaluated: 2018-01-13. Review status: criteria provided, single submitter. Criteria: ICSL Variant Classification Criteria 13 December 2019. Collection method: clinical testing. Allele origin: germline.
Comment: This variant was observed in the ICSL laboratory as part of a predisposition screen in an ostensibly healthy population. It had not been previously curated by ICSL or reported in the Human Gene Mutation Database (HGMD: prior to June 1st, 2018), and was therefore a candidate for classification through an automated scoring system. Utilizing variant allele frequency, disease prevalence and penetrance estimates, and inheritance mode, an automated score was calculated to assess if this variant is too frequent to cause the disease. Based on the score and internal cut-off values, a variant classified as benign is not then subjected to further curation. The score for this variant resulted in a classification of benign for this disease.

Breakthrough Genomics
Classification: Benign. Review status: criteria provided, single submitter. Criteria: ACMG Guidelines, 2015. Collection method: not provided. Allele origin: germline. Inheritance: Autosomal recessive inheritance. Affected: yes.

NM_002454.3(MTRR):c.*64T>C

Gene: MTRR (5-methyltetrahydrofolate-homocysteine methyltransferase reductase; plus strand). Cytogenetic location: 5p15.31.
Variant type: single nucleotide variant.
Coding change: c.*64T>C on transcript NM_002454.3 (MANE Select); 64 bases downstream of the stop codon, T replaced by C.
Molecular consequence: 3 prime UTR variant. On other transcripts: non-coding transcript variant (14).
Genome position (GRCh38, 1-based): chr5:7,900,122, T>C. VCF-style: chr5-7900122-T-C. GRCh37 (hg19) VCF-style: chr5-7900235-T-C.
Other names: c.*64T>C (NM_001364440.2, NM_001364441.2, NM_001364442.2 and 1 more transcripts).
Identifiers: ClinVar variation 354365 (VCV000354365.6), dbSNP rs327591, ClinGen allele CA10620876.